The following is an entry in ClinVar:

NM_015691.5(WWC3):c.1944C>T (p.Pro648=)

Gene: WWC3 (WWC family member 3; plus strand). Cytogenetic location: Xp22.2.
Variant type: single nucleotide variant.
Coding change: c.1944C>T on transcript NM_015691.5; coding-DNA position 1944, C replaced by T.
Protein change: p.Pro648=; no amino-acid change (proline 648 retained).
Molecular consequence: synonymous variant.
Genome position (GRCh38, 1-based): chrX:10,117,628, C>T. VCF-style: chrX-10117628-C-T. GRCh37 (hg19) VCF-style: chrX-10085668-C-T.
Identifiers: ClinVar variation 2659965 (VCV002659965.24), dbSNP rs1466841550, ClinGen allele CA10346442.

ClinVar aggregate classification (germline): Likely benign (1 of 4 stars; one submission).

Allele frequency attached by ClinVar (database versions not stated): TOPMed 0.00005; ExAC 0.00007; gnomAD 0.00008; gnomAD exomes 0.00008.

Submission:

CeGaT Center for Human Genetics Tuebingen
Classification: Likely benign. Last evaluated: 2022-07-01. Review status: criteria provided, single submitter. Criteria: CeGaT Center For Human Genetics Tuebingen Variant Classification Criteria Version 2. Collection method: clinical testing. Allele origin: germline. Affected: yes. Observed: 1 variant allele.
Comment: WWC3: BP4, BP7